The following is an entry in ClinVar:

ClinVar aggregate classification (germline): Likely benign (0 of 4 stars; one submission).

Conditions:
DYRK1B-related disorder. Also called: DYRK1B-related condition.

gnomAD v4.1: 8 of 1,611,372 alleles (0.0005%); highest among the groups gnomAD compares: Non-Finnish European, 0.00059%; no homozygotes.

Submission:

PreventionGenetics, part of Exact Sciences
Classification: Likely benign for DYRK1B-related condition. Last evaluated: 2021-10-21. Review status: no assertion criteria provided. Collection method: clinical testing. Allele origin: germline.
Comment: This variant is classified as likely benign based on ACMG/AMP sequence variant interpretation guidelines (Richards et al. 2015 PMID: 25741868, with internal and published modifications).

NM_004714.3(DYRK1B):c.556C>T (p.Leu186=)

Gene: DYRK1B (dual specificity tyrosine phosphorylation regulated kinase 1B; minus strand). Cytogenetic location: 19q13.2.
Variant type: single nucleotide variant.
Coding change: c.556C>T on transcript NM_004714.3 (MANE Select); coding-DNA position 556, C replaced by T.
Protein change: p.Leu186=; no amino-acid change (leucine 186 retained).
Molecular consequence: synonymous variant.
Genome position (GRCh38, 1-based): chr19:39,828,548, G>A on the plus strand (C>T on the coding strand, the complement: DYRK1B is on the minus strand). VCF-style: chr19-39828548-G-A. GRCh37 (hg19) VCF-style: chr19-40319188-G-A.
Other names: c.556C>T, p.Leu186= (NM_006483.3, NM_006484.3).
Identifiers: ClinVar variation 3353181 (VCV003353181.1).